The following is an entry in ClinVar:

NM_001040108.2(MLH3):c.3025G>T (p.Val1009Leu)

Gene: MLH3 (mutL homolog 3; minus strand). Cytogenetic location: 14q24.3.
Variant type: single nucleotide variant.
Coding change: c.3025G>T on transcript NM_001040108.2 (MANE Select); coding-DNA position 3025, G replaced by T.
Protein change: p.Val1009Leu; replaces valine 1009 with leucine.
Molecular consequence: missense variant.
Genome position (GRCh38, 1-based): chr14:75,046,631, C>A on the plus strand (G>T on the coding strand, the complement: MLH3 is on the minus strand). VCF-style: chr14-75046631-C-A. GRCh37 (hg19) VCF-style: chr14-75513334-C-A.
Other names: c.3025G>T, p.Val1009Leu (NM_014381.3); short protein forms V1009L.
Identifiers: ClinVar variation 3232516 (VCV003232516.1), dbSNP rs2139549870, ClinGen allele CA390436845.
Genomic context (GRCh38, chr14:75,046,631, plus strand): 5'-TTGCTTTAGATTCCTCACTCTGAAAACAAATTCCATTTTGGTCACCTGTGGCATCTTCTA[C>A]CGGATTCATTAACATTCCACTGGGAGAGTCAAGACTTCCTATCTGTTGTTCTGAGGCTCT-3'
Protein context (NP_001035197.1, residues 999-1019): DSPSGMLMNP[Val1009Leu]EDATGDQNGI

ClinVar aggregate classification (germline): Uncertain significance (1 of 4 stars; one submission).

Allele frequency attached by ClinVar (database versions not stated): gnomAD exomes 0.00001.
gnomAD v4.1: 3 of 1,614,218 alleles (0.00019%); highest among the groups gnomAD compares: South Asian, 0.0033%; no homozygotes.

Submission:

Ambry Genetics
Classification: Uncertain significance. Last evaluated: 2023-12-24. Review status: criteria provided, single submitter. Criteria: Ambry Variant Classification Scheme 2023. Collection method: clinical testing. Allele origin: germline.
Comment: The p.V1009L variant (also known as c.3025G>T), located in coding exon 1 of the MLH3 gene, results from a G to T substitution at nucleotide position 3025. The valine at codon 1009 is replaced by leucine, an amino acid with highly similar properties. This amino acid position is conserved. In addition, this alteration is predicted to be tolerated by in silico analysis. Since supporting evidence is limited at this time, the clinical significance of this alteration remains unclear.